The following is an entry in ClinVar:

NM_002691.4(POLD1):c.589+4A>C

Gene: POLD1 (DNA polymerase delta 1, catalytic subunit; plus strand). Cytogenetic location: 19q13.33.
Variant type: single nucleotide variant.
Coding change: c.589+4A>C on transcript NM_002691.4 (MANE Select); 4 bases into the intron after coding-DNA position 589, A replaced by C.
Molecular consequence: intron variant.
Genome position (GRCh38, 1-based): chr19:50,402,128, A>C. VCF-style: chr19-50402128-A-C. GRCh37 (hg19) VCF-style: chr19-50905385-A-C.
Other names: c.589+4A>C (NM_001256849.1, NM_001308632.1, NM_002691.2).
Identifiers: ClinVar variation 2747521 (VCV002747521.4), dbSNP rs2122240983, ClinGen allele CA406973534.

ClinVar aggregate classification (germline): Uncertain significance. Review status: criteria provided, multiple submitters, no conflicts (2 of 4 stars). 2 submissions from 2 submitters: Uncertain significance (2). Last evaluated 2025-10-07.

Conditions:
POLD1-related polyposis and colorectal cancer syndrome (CRCS10). Also called: Colorectal cancer 10; Colorectal cancer, susceptibility to, 10; COLORECTAL CANCER, SUSCEPTIBILITY TO, ON CHROMOSOME 19q. Identifiers: Orphanet 220460, MedGen C2675481, MONDO:0012953, OMIM 612591.
Hereditary cancer-predisposing syndrome. Also called: Tumor predisposition; Hereditary Cancer Syndrome; Hereditary neoplastic syndrome; Neoplastic Syndromes, Hereditary. Identifiers: Orphanet 140162, MedGen C0027672, MeSH D009386, MONDO:0015356.

Submissions (2):

Ambry Genetics
Classification: Uncertain significance for Hereditary cancer-predisposing syndrome. Last evaluated: 2025-10-07. Review status: criteria provided, single submitter. Criteria: Ambry Variant Classification Scheme 2023. Collection method: clinical testing. Allele origin: germline.
Comment: The c.589+4A>C intronic variant results from an A to C substitution 4 nucleotides after coding exon 4 in the POLD1 gene. This nucleotide position is highly conserved in available vertebrate species. In silico splice site analysis predicts that this alteration may weaken the native splice donor site. Based on the available evidence, the clinical significance of this variant remains unclear

Labcorp Genetics (formerly Invitae), Labcorp
Classification: Uncertain significance for POLD1-related polyposis and colorectal cancer syndrome. Last evaluated: 2023-07-28. Review status: criteria provided, single submitter. Criteria: Invitae Variant Classification Sherloc (09022015). Collection method: clinical testing. Allele origin: germline.
Comment: This sequence change falls in intron 5 of the POLD1 gene. It does not directly change the encoded amino acid sequence of the POLD1 protein. It affects a nucleotide within the consensus splice site. This variant is not present in population databases (gnomAD no frequency). This variant has not been reported in the literature in individuals affected with POLD1-related conditions. Variants that disrupt the consensus splice site are a relatively common cause of aberrant splicing (PMID: 17576681, 9536098). Algorithms developed to predict the effect of sequence changes on RNA splicing suggest that this variant may disrupt the consensus splice site. In summary, the available evidence is currently insufficient to determine the role of this variant in disease. Therefore, it has been classified as a Variant of Uncertain Significance.

Literature cited by the submitters: PubMed 17576681 (cited by Labcorp Genetics (formerly Invitae), Labcorp); PubMed 9536098 (cited by Labcorp Genetics (formerly Invitae), Labcorp).